The following is an entry in ClinVar:

ClinVar aggregate classification (germline): Likely pathogenic (1 of 4 stars; one submission).

Conditions:
Myasthenic syndrome, congenital, 7B, presynaptic, autosomal recessive (CMS7B). Identifiers: MedGen C5561947, MONDO:0030341, OMIM 619461.

Submission:

Diagnostics Services (NGS), CSIR - Centre For Cellular And Molecular Biology
Classification: Likely pathogenic for Myasthenic syndrome, congenital, 7B, presynaptic, autosomal recessive. Last evaluated: 2023-05-01. Review status: criteria provided, single submitter. Criteria: ACMG Guidelines, 2015. Collection method: clinical testing. Allele origin: germline. Affected: yes. Observed: 1 variant allele, 1 homozygote.
Comment: The c.207del variant is not present in publicly available population databases like 1000 Genomes, ExAC, EVS, Indian Exome Database or our in-house exome database. The variant has neither been published in literature nor reported to clinical databases like in ClinVar, Human Gene Mutation Database (HGMD) or OMIM, in any affected individuals. In silico pathogenicity prediction programs like MutationTaster2, CADD, Varsome, Franklin etc predicted this variant to be likely deleterious. This variant causes frameshift at the 70th amino acid position of the wild-type transcript which creates a premature translational stop signal in the altered transcript that may either result in translation of a truncated protein or cause nonsense-mediated decay of the mRNA.

NM_177402.5(SYT2):c.207del (p.Val70fs)

Gene: SYT2 (synaptotagmin 2; minus strand). Cytogenetic location: 1q32.1.
Variant type: Deletion.
Coding change: c.207del on transcript NM_177402.5 (MANE Select); coding-DNA position 207, one base deleted (T; older notation c.207delT).
Protein change: p.Val70fs; shifts the reading frame from valine 70.
Molecular consequence: frameshift variant.
Genome position (GRCh38, 1-based): chr1:202,604,593, A deleted on the plus strand (T on the coding strand, the reverse complement: SYT2 is on the minus strand). VCF-style (leftmost placement, unchanged base first): chr1-202604592-CA-C. GRCh37 (hg19) VCF-style: chr1-202573720-CA-C.
Other names: c.207del, p.Val70fs (NM_001136504.1); short protein forms V70fs.
Identifiers: ClinVar variation 2505353 (VCV002505353.2), dbSNP rs2526989632, ClinGen allele CA2580611531.